The following is an entry in ClinVar:

NM_005535.3(IL12RB1):c.1269C>T (p.His423=)

Gene: IL12RB1 (interleukin 12 receptor subunit beta 1; minus strand). Cytogenetic location: 19p13.11.
Variant type: single nucleotide variant.
Coding change: c.1269C>T on transcript NM_005535.3 (MANE Select); coding-DNA position 1269, C replaced by T.
Protein change: p.His423=; no amino-acid change (histidine 423 retained).
Molecular consequence: synonymous variant.
Genome position (GRCh38, 1-based): chr19:18,068,447, G>A on the plus strand (C>T on the coding strand, the complement: IL12RB1 is on the minus strand). VCF-style: chr19-18068447-G-A. GRCh37 (hg19) VCF-style: chr19-18179257-G-A.
Other names: c.1269C>T, p.His423= (NM_001290023.2); c.1389C>T, p.His463= (NM_001290024.2).
Identifiers: ClinVar variation 725141 (VCV000725141.30), dbSNP rs367647802, ClinGen allele CA9304902.

ClinVar aggregate classification (germline): Conflicting classifications of pathogenicity. Review status: criteria provided, conflicting classifications (1 of 4 stars). 4 submissions from 4 submitters: Uncertain significance (1); Likely benign (3). Last evaluated 2025-02-11.

Conditions:
Mendelian susceptibility to mycobacterial diseases due to complete IL12RB1 deficiency. Also called: IL12RB1 DEFICIENCY; Immunodeficiency 30. Identifiers: Orphanet 319552, MedGen C4013949, MONDO:0013955, OMIM 614891.

Allele frequency attached by ClinVar (database versions not stated): ESP Exome Variant Server 0.00008; ExAC 0.00010; gnomAD 0.00010 and 0.00011; gnomAD exomes 0.00010 and 0.00013; TOPMed 0.00015.
gnomAD v4.1: 160 of 1,613,056 alleles (0.0099%); highest among the groups gnomAD compares: Admixed American, 0.03%; no homozygotes.

Submissions (4):

Labcorp Genetics (formerly Invitae), Labcorp
Classification: Likely benign for Mendelian susceptibility to mycobacterial diseases due to complete IL12RB1 deficiency. Last evaluated: 2025-02-11. Review status: criteria provided, single submitter. Criteria: Invitae Variant Classification Sherloc (09022015). Collection method: clinical testing. Allele origin: germline.

CeGaT Center for Human Genetics Tuebingen
Classification: Likely benign. Last evaluated: 2024-11-01. Review status: criteria provided, single submitter. Criteria: CeGaT Center For Human Genetics Tuebingen Variant Classification Criteria Version 2. Collection method: clinical testing. Allele origin: germline. Affected: yes. Observed: 1 variant allele.
Comment: IL12RB1: BP4, BP7

Blueprint Genetics
Classification: Likely benign. Last evaluated: 2024-05-10. Review status: criteria provided, single submitter. Criteria: ACMG Guidelines, 2015. Collection method: clinical testing. Allele origin: germline.

Illumina Laboratory Services, Illumina
Classification: Uncertain significance for Mendelian susceptibility to mycobacterial diseases due to complete IL12RB1 deficiency. Last evaluated: 2018-01-13. Review status: criteria provided, single submitter. Criteria: ICSL Variant Classification Criteria 13 December 2019. Collection method: clinical testing. Allele origin: germline.